The following is an entry in ClinVar:

ClinVar aggregate classification (germline): Likely benign (1 of 4 stars; one submission).

Allele frequency attached by ClinVar (database versions not stated): 1000 Genomes Project 30x 0.00921; 1000 Genomes Project 0.00958; gnomAD 0.01107 and 0.01198; TOPMed 0.01195.
gnomAD v4.1: 1,666 of 152,206 alleles (1.1%); highest among the groups gnomAD compares: African/African-American, 3.8%; 34 homozygotes.

Submission:

GeneDx
Classification: Likely benign. Last evaluated: 2018-06-19. Review status: criteria provided, single submitter. Criteria: GeneDx Variant Classification (06012015). Collection method: clinical testing. Allele origin: germline. Affected: yes.
Comment: This variant is considered likely benign or benign based on one or more of the following criteria: it is a conservative change, it occurs at a poorly conserved position in the protein, it is predicted to be benign by multiple in silico algorithms, and/or has population frequency not consistent with disease.

NM_014141.6(CNTNAP2):c.2554+297T>A

Gene: CNTNAP2 (contactin associated protein 2; plus strand). Cytogenetic location: 7q35.
Variant type: single nucleotide variant.
Coding change: c.2554+297T>A on transcript NM_014141.6 (MANE Select); 297 bases into the intron after coding-DNA position 2554, T replaced by A.
Molecular consequence: intron variant.
Genome position (GRCh38, 1-based): chr7:148,118,585, T>A. VCF-style: chr7-148118585-T-A. GRCh37 (hg19) VCF-style: chr7-147815677-T-A.
Identifiers: ClinVar variation 671933 (VCV000671933.1), dbSNP rs77576413, ClinGen allele CA12656693.